The following is an entry in ClinVar:

NM_020975.6(RET):c.2735G>T (p.Arg912Leu)

Gene: RET (ret proto-oncogene; plus strand). Cytogenetic location: 10q11.21.
Variant type: single nucleotide variant.
Coding change: c.2735G>T on transcript NM_020975.6 (MANE Select); coding-DNA position 2735, G replaced by T.
Protein change: p.Arg912Leu; replaces arginine 912 with leucine.
Molecular consequence: missense variant.
Genome position (GRCh38, 1-based): chr10:43,121,950, G>T. VCF-style: chr10-43121950-G-T. GRCh37 (hg19) VCF-style: chr10-43617398-G-T.
Other names: c.2735G>T, p.Arg912Leu (NM_000323.2, NM_001406743.1, NM_001406744.1 and 4 more transcripts); c.1973G>T, p.Arg658Leu (NM_001355216.2); c.2606G>T, p.Arg869Leu (NM_001406761.1, NM_001406762.1, NM_001406764.1); c.2600G>T, p.Arg867Leu (NM_001406763.1, NM_001406765.1); c.2447G>T, p.Arg816Leu (NM_001406766.1, NM_001406767.1, NM_001406770.1); c.2471G>T, p.Arg824Leu (NM_001406768.1); c.2339G>T, p.Arg780Leu (NM_001406769.1, NM_001406772.1); c.2297G>T, p.Arg766Leu (NM_001406771.1, NM_001406773.1); and 10 more; short protein forms R912L, R658L, R582L, R670L, R429L, R780L, R816L, R867L.
Identifiers: ClinVar variation 543737 (VCV000543737.16), dbSNP rs78347871, ClinGen allele CA040762.
Genomic context (GRCh38, chr10:43,121,950, plus strand): 5'-CCTCCTTCCTAGAGAGTTAGAGTAACTTCAATGTCTTTATTCCATCTTCTCTTTAGGGTC[G>T]GATTCCAGTTAAATGGATGGCAATTGAATCCCTTTTTGATCATATCTACACCACGCAAAG-3'
Protein context (NP_066124.1, residues 902-922): EDSYVKRSQG[Arg912Leu]IPVKWMAIES

ClinVar aggregate classification (germline): Conflicting classifications of pathogenicity. Review status: criteria provided, conflicting classifications (1 of 4 stars). 6 submissions from 6 submitters: Uncertain significance (5); Likely benign (1). Last evaluated 2025-12-23.

Conditions:
Multiple endocrine neoplasia, type 2 (MEN2). Identifiers: Orphanet 653, MedGen C4048306, MONDO:0019003. Disease mechanism: gain of function.
Multiple endocrine neoplasia type 2A. Also called: Multiple Endocrine Neoplasia Type 2A (MEN2A); MULTIPLE ENDOCRINE NEOPLASIA, TYPE IIA; PTC SYNDROME; SIPPLE SYNDROME; MEN 2A; MEN-2A syndrome. Identifiers: Orphanet 247698, Orphanet 653, MedGen C0025268, MeSH D018813, MONDO:0008234, OMIM 171400.
Hereditary cancer-predisposing syndrome. Also called: Neoplastic Syndromes, Hereditary; Hereditary Cancer Syndrome; Hereditary neoplastic syndrome; Tumor predisposition. Identifiers: Orphanet 140162, MedGen C0027672, MeSH D009386, MONDO:0015356.

Allele frequency attached by ClinVar (database versions not stated): gnomAD 0.00001; TOPMed 0.00002.
gnomAD v4.1: 8 of 1,611,686 alleles (0.0005%); highest among the groups gnomAD compares: Non-Finnish European, 0.00068%; no homozygotes.

Submissions (6):

Labcorp Genetics (formerly Invitae), Labcorp
Classification: Uncertain significance for Multiple endocrine neoplasia, type 2. Last evaluated: 2025-12-23. Review status: criteria provided, single submitter. Criteria: Invitae Variant Classification Sherloc (09022015). Collection method: clinical testing. Allele origin: germline.
Comment: This sequence change replaces arginine, which is basic and polar, with leucine, which is neutral and non-polar, at codon 912 of the RET protein (p.Arg912Leu). This variant is present in population databases (rs78347871, gnomAD 0.005%). This variant has not been reported in the literature in individuals affected with RET-related conditions. ClinVar contains an entry for this variant (Variation ID: 543737). An algorithm developed to predict the effect of missense changes on protein structure and function (PolyPhen-2) suggests that this variant is likely to be disruptive. In summary, the available evidence is currently insufficient to determine the role of this variant in disease. Therefore, it has been classified as a Variant of Uncertain Significance.

Color Diagnostics, LLC DBA Color Health
Classification: Uncertain significance for Multiple endocrine neoplasia, type 2. Last evaluated: 2025-07-14. Review status: criteria provided, single submitter. Criteria: ACMG Guidelines, 2015. Collection method: clinical testing. Allele origin: germline.
Comment: This missense variant replaces arginine with leucine at codon 912 of the RET protein. Computational prediction suggests that this variant may have deleterious impact on protein structure and function. To our knowledge, functional studies have not been reported for this variant. This variant has not been reported in individuals affected with RET-related disorders in the literature. This variant has been identified in 5/251470 chromosomes in the general population by the Genome Aggregation Database (gnomAD). The available evidence is insufficient to determine the role of this variant in disease conclusively. Therefore, this variant is classified as a Variant of Uncertain Significance.

Myriad Genetics, Inc.
Classification: Likely benign for Multiple endocrine neoplasia type 2A. Last evaluated: 2025-02-27. Review status: criteria provided, single submitter. Criteria: Myriad Autosomal Dominant, Autosomal Recessive and X-Linked Classification Criteria (2023). Collection method: clinical testing. Allele origin: unknown.
Comment: This variant is considered likely benign. This variant has been observed at a population frequency that is significantly greater than expected given the associated disease prevalence and penetrance.

Quest Diagnostics Nichols Institute San Juan Capistrano
Classification: Uncertain significance. Last evaluated: 2024-12-24. Review status: criteria provided, single submitter. Criteria: Quest Diagnostics criteria. Collection method: clinical testing. Allele origin: unknown.

Ambry Genetics
Classification: Uncertain significance for Hereditary cancer-predisposing syndrome. Last evaluated: 2024-11-15. Review status: criteria provided, single submitter. Criteria: Ambry Variant Classification Scheme 2023. Collection method: clinical testing. Allele origin: germline.
Comment: The p.R912L variant (also known as c.2735G>T), located in coding exon 16 of the RET gene, results from a G to T substitution at nucleotide position 2735. The arginine at codon 912 is replaced by leucine, an amino acid with dissimilar properties. This amino acid position is highly conserved in available vertebrate species. In addition, this alteration is predicted to be deleterious by in silico analysis. Based on data from gnomAD, the frequency for this variant is above the maximum credible frequency for a MEN2-causing variant in this gene based on internally established thresholds (Karczewski et al. Nature. 2020 May;581(7809):434-443; Whiffin et al. Genet Med. 2017 10;19:1151-1158). Based on the supporting evidence, the association of this alteration with Hirschsprung disease is unknown; however, the association of this alteration with MEN2 is unlikely.

GeneDx
Classification: Uncertain significance. Last evaluated: 2022-12-22. Review status: criteria provided, single submitter. Criteria: GeneDx Variant Classification Process June 2021. Collection method: clinical testing. Allele origin: germline. Affected: yes.
Comment: Not observed at significant frequency in large population cohorts (gnomAD); In silico analysis supports that this missense variant has a deleterious effect on protein structure/function; Has not been previously published as pathogenic or benign to our knowledge; This variant is associated with the following publications: (PMID: 16758654, 24336963, 28188106, 14633923)

Literature cited by the submitters: PubMed 24336963 (cited by Ambry Genetics).